The following is an entry in ClinVar:

NM_004104.5(FASN):c.106G>A (p.Asp36Asn)

Gene: FASN (fatty acid synthase; minus strand). Cytogenetic location: 17q25.3.
Variant type: single nucleotide variant.
Coding change: c.106G>A on transcript NM_004104.5 (MANE Select); coding-DNA position 106, G replaced by A.
Protein change: p.Asp36Asn; replaces aspartic acid 36 with asparagine.
Molecular consequence: missense variant.
Genome position (GRCh38, 1-based): chr17:82,096,340, C>T on the plus strand (G>A on the coding strand, the complement: FASN is on the minus strand). VCF-style: chr17-82096340-C-T. GRCh37 (hg19) VCF-style: chr17-80054216-C-T.
Other names: short protein forms D36N.
Identifiers: ClinVar variation 461996 (VCV000461996.8), dbSNP rs754942049, ClinGen allele CA8853675.
Genomic context (GRCh38, chr17:82,096,340, plus strand): 5'-CTTCACACCCCAGGCACGGGGAGCCCCGCAGCCACATACCCGCCTTCCAGCGACGGTCAT[C>T]GTCCGTGACCATGTCCACACCGCCGATGAGGTTGTCCCAGAACTCCTGCAAGTTCTCCGA-3'
Protein context (NP_004095.4, residues 26-46): LIGGVDMVTD[Asp36Asn]DRRWKAGLYG

ClinVar aggregate classification (germline): Uncertain significance (1 of 4 stars; one submission).

Conditions:
Epileptic encephalopathy. Identifiers: MedGen C0543888, HP:0200134.

Allele frequency attached by ClinVar (database versions not stated): ExAC 0.00001; gnomAD exomes 0.00001; TOPMed 0.00001.
gnomAD v4.1: 15 of 1,612,784 alleles (0.00093%); highest among the groups gnomAD compares: Admixed American, 0.0017%; no homozygotes.

Submission:

Labcorp Genetics (formerly Invitae), Labcorp
Classification: Uncertain significance for Epileptic encephalopathy. Last evaluated: 2025-07-13. Review status: criteria provided, single submitter. Criteria: Invitae Variant Classification Sherloc (09022015). Collection method: clinical testing. Allele origin: germline.
Comment: This sequence change replaces aspartic acid, which is acidic and polar, with asparagine, which is neutral and polar, at codon 36 of the FASN protein (p.Asp36Asn). This variant is present in population databases (rs754942049, gnomAD 0.003%). This variant has not been reported in the literature in individuals affected with FASN-related conditions. ClinVar contains an entry for this variant (Variation ID: 461996). An algorithm developed to predict the effect of missense changes on protein structure and function outputs the following: PolyPhen-2: "Benign". The asparagine amino acid residue is found in multiple mammalian species, which suggests that this missense change does not adversely affect protein function. In summary, the available evidence is currently insufficient to determine the role of this variant in disease. Therefore, it has been classified as a Variant of Uncertain Significance.